The following is an entry in ClinVar:

NM_001379500.1(COL18A1):c.2960_2987del (p.Pro987fs)

Genes: COL18A1 (collagen type XVIII alpha 1 chain; plus strand), SLC19A1 (solute carrier family 19 member 1; minus strand). Cytogenetic location: 21q22.3.
Variant type: Deletion.
Coding change: c.2960_2987del on transcript NM_001379500.1 (MANE Select); coding-DNA positions 2960 to 2987, 28 bases deleted (CCGGCCCCCCAGGCCCCCCAGGGCCCCC).
Protein change: p.Pro987fs; shifts the reading frame from proline 987.
Molecular consequence: frameshift variant.
Genome position (GRCh38, 1-based): chr21:45,505,225-45,505,252, CCGGCCCCCCAGGCCCCCCAGGGCCCCC deleted; deleting any 28 consecutive bases within chr21:45,505,224-45,505,252 gives the same sequence; the c. name uses the placement nearest the transcript's 3' end. VCF-style (leftmost placement, unchanged base first): chr21-45505223-TCCCGGCCCCCCAGGCCCCCCAGGGCCCC-T. GRCh37 (hg19) VCF-style: chr21-46925137-TCCCGGCCCCCCAGGCCCCCCAGGGCCCC-T.
Other names: c.3491_3518del, p.Pro1164fs (NM_030582.4); c.4196_4223del, p.Pro1399fs (NM_130444.3); short protein forms P1164fs, P1399fs, P987fs.
Identifiers: ClinVar variation 2040243 (VCV002040243.4), dbSNP rs2517791841, ClinGen allele CA2580098859.

ClinVar aggregate classification (germline): Pathogenic (1 of 4 stars; one submission).

Submission:

Labcorp Genetics (formerly Invitae), Labcorp
Classification: Pathogenic. Last evaluated: 2023-05-08. Review status: criteria provided, single submitter. Criteria: Invitae Variant Classification Sherloc (09022015). Collection method: clinical testing. Allele origin: germline.
Comment: This sequence change creates a premature translational stop signal (p.Pro984Leufs*35) in the COL18A1 gene. It is expected to result in an absent or disrupted protein product. Loss-of-function variants in COL18A1 are known to be pathogenic (PMID: 12415512, 25456301). This variant is not present in population databases (gnomAD no frequency). This variant has not been reported in the literature in individuals affected with COL18A1-related conditions. ClinVar contains an entry for this variant (Variation ID: 2040243). For these reasons, this variant has been classified as Pathogenic.

Literature cited by the submitters: PubMed 12415512; PubMed 25456301.